The following is an entry in ClinVar:

ClinVar aggregate classification (germline): Uncertain significance (1 of 4 stars; one submission).

Conditions:
Cardiovascular phenotype. Identifiers: MedGen CN230736.

gnomAD v4.1: 2 of 1,606,260 alleles (0.00012%); highest among the groups gnomAD compares: African/African-American, 0.0027%; no homozygotes.

Submission:

Ambry Genetics
Classification: Uncertain significance for Cardiovascular phenotype. Last evaluated: 2021-10-13. Review status: criteria provided, single submitter. Criteria: Ambry Variant Classification Scheme 2023. Collection method: clinical testing. Allele origin: germline.
Comment: The p.H36Q variant (also known as c.108C>G), located in coding exon 1 of the PRKAG2 gene, results from a C to G substitution at nucleotide position 108. The histidine at codon 36 is replaced by glutamine, an amino acid with highly similar properties. This amino acid position is conserved. In addition, this alteration is predicted to be tolerated by in silico analysis. Since supporting evidence is limited at this time, the clinical significance of this alteration remains unclear.

NM_016203.4(PRKAG2):c.108C>G (p.His36Gln)

Gene: PRKAG2 (protein kinase AMP-activated non-catalytic subunit gamma 2; minus strand). Cytogenetic location: 7q36.1.
Variant type: single nucleotide variant.
Coding change: c.108C>G on transcript NM_016203.4 (MANE Select); coding-DNA position 108, C replaced by G.
Protein change: p.His36Gln; replaces histidine 36 with glutamine.
Molecular consequence: missense variant.
Genome position (GRCh38, 1-based): chr7:151,876,513, G>C on the plus strand (C>G on the coding strand, the complement: PRKAG2 is on the minus strand). VCF-style: chr7-151876513-G-C. GRCh37 (hg19) VCF-style: chr7-151573598-G-C.
Other names: c.108C>G, p.His36Gln (NM_001407021.1, NM_001407022.1, NM_001407023.1 and 2 more transcripts); short protein forms H36Q.
Identifiers: ClinVar variation 1788768 (VCV001788768.2), dbSNP rs753210415, ClinGen allele CA053383.
Genomic context (GRCh38, chr7:151,876,513, plus strand): 5'-GGGACGGGAGCGACAGGAGGGCTGGGGAGCAGGGGACCGAGTGCTGGGACTCACCGGAAT[G>C]TGCACGCGCAGCGAACGCCTCTTCTGGCTGGCATTTTTCTTGCCGCCGCTCCCGCCGGGG-3'
Protein context (NP_057287.2, residues 26-46): ASQKRRSLRV[His36Gln]IPDLSSFAMP